The following is an entry in ClinVar:

ClinVar aggregate classification (germline): Likely benign (1 of 4 stars; one submission).

Allele frequency attached by ClinVar (database versions not stated): gnomAD exomes 0.00003; gnomAD 0.00007; TOPMed 0.00012.
gnomAD v4.1: 59 of 1,554,170 alleles (0.0038%); highest among the groups gnomAD compares: African/African-American, 0.012%; no homozygotes.

Submission:

CeGaT Center for Human Genetics Tuebingen
Classification: Likely benign. Last evaluated: 2023-03-01. Review status: criteria provided, single submitter. Criteria: CeGaT Center For Human Genetics Tuebingen Variant Classification Criteria Version 2. Collection method: clinical testing. Allele origin: germline. Affected: yes. Observed: 1 variant allele.
Comment: MUC5B: BP4, BP7

NM_002458.3(MUC5B):c.11871C>T (p.Thr3957=)

Genes: MUC5B (mucin 5B, oligomeric mucus/gel-forming; plus strand), MUC5B-AS1 (MUC5B antisense RNA 1; minus strand). Cytogenetic location: 11p15.5.
Variant type: single nucleotide variant.
Coding change: c.11871C>T on transcript NM_002458.3 (MANE Select); coding-DNA position 11871, C replaced by T.
Protein change: p.Thr3957=; no amino-acid change (threonine 3957 retained).
Molecular consequence: synonymous variant.
Genome position (GRCh38, 1-based): chr11:1,248,751, C>T. VCF-style: chr11-1248751-C-T. GRCh37 (hg19) VCF-style: chr11-1269981-C-T.
Identifiers: ClinVar variation 2641281 (VCV002641281.24), dbSNP rs775871178, ClinGen allele CA217030906.